The following is an entry in ClinVar:

ClinVar aggregate classification (germline): Uncertain significance. Review status: criteria provided, multiple submitters, no conflicts (2 of 4 stars). 2 submissions from 2 submitters: Uncertain significance (2). Last evaluated 2022-11-07.

Conditions:
Inborn genetic diseases. Identifiers: MedGen C0950123, MeSH D030342.

Allele frequency attached by ClinVar (database versions not stated): gnomAD exomes below 0.00001; TOPMed 0.00002.
gnomAD v4.1: 3 of 1,613,898 alleles (0.00019%); highest among the groups gnomAD compares: South Asian, 0.0011%; no homozygotes.

Submissions (2):

Labcorp Genetics (formerly Invitae), Labcorp
Classification: Uncertain significance. Last evaluated: 2022-11-07. Review status: criteria provided, single submitter. Criteria: Invitae Variant Classification Sherloc (09022015). Collection method: clinical testing. Allele origin: germline.
Comment: This sequence change replaces isoleucine, which is neutral and non-polar, with valine, which is neutral and non-polar, at codon 1378 of the VCAN protein (p.Ile1378Val). This variant has not been reported in the literature in individuals affected with VCAN-related conditions. This variant is present in population databases (no rsID available, gnomAD 0.0009%). In summary, the available evidence is currently insufficient to determine the role of this variant in disease. Therefore, it has been classified as a Variant of Uncertain Significance. Algorithms developed to predict the effect of missense changes on protein structure and function (SIFT, PolyPhen-2, Align-GVGD) all suggest that this variant is likely to be tolerated.

Ambry Genetics
Classification: Uncertain significance for Inborn genetic diseases. Last evaluated: 2021-11-12. Review status: criteria provided, single submitter. Criteria: Ambry Variant Classification Scheme 2023. Collection method: clinical testing. Allele origin: germline.

NM_004385.5(VCAN):c.4132A>G (p.Ile1378Val)

Genes: VCAN (versican; plus strand), VCAN-AS1 (VCAN antisense RNA 1; minus strand). Cytogenetic location: 5q14.3.
Variant type: single nucleotide variant.
Coding change: c.4132A>G on transcript NM_004385.5 (MANE Select); coding-DNA position 4132, A replaced by G.
Protein change: p.Ile1378Val; replaces isoleucine 1378 with valine.
Molecular consequence: missense variant. On other transcripts: intron variant (2).
Genome position (GRCh38, 1-based): chr5:83,537,135, A>G. VCF-style: chr5-83537135-A-G. GRCh37 (hg19) VCF-style: chr5-82832954-A-G.
Other names: c.1171A>G, p.Ile391Val (NM_001164097.2); c.4004-8402A>G (NM_001164098.2); c.1043-8402A>G (NM_001126336.3); short protein forms I391V, I1378V.
Identifiers: ClinVar variation 2260508 (VCV002260508.5), dbSNP rs1042852655, ClinGen allele CA121807433.